The following is an entry in ClinVar:

ClinVar aggregate classification (germline): Uncertain significance. Review status: criteria provided, multiple submitters, no conflicts (2 of 4 stars). 2 submissions from 2 submitters: Uncertain significance (2). Last evaluated 2025-08-31.

Conditions:
Ullrich congenital muscular dystrophy 2 (UCMD2). Identifiers: Orphanet 75840, MedGen C4225314, MONDO:0014654, OMIM 616470.
Bethlem myopathy 2 (BTHLM2). Identifiers: Orphanet 536516, Orphanet 610, MedGen C4225313, MONDO:0034022, OMIM 616471.
Inborn genetic diseases. Identifiers: MedGen C0950123, MeSH D030342.

Allele frequency attached by ClinVar (database versions not stated): gnomAD exomes 0.00001; gnomAD 0.00002 and 0.00001; 1000 Genomes Project 30x 0.00031; TOPMed 0.00003; 1000 Genomes Project 0.00020.

Submissions (2):

Labcorp Genetics (formerly Invitae), Labcorp
Classification: Uncertain significance for Bethlem myopathy 2; Ullrich congenital muscular dystrophy 2. Last evaluated: 2025-08-31. Review status: criteria provided, single submitter. Criteria: Invitae Variant Classification Sherloc (09022015). Collection method: clinical testing. Allele origin: germline.
Comment: This sequence change replaces glutamine, which is neutral and polar, with arginine, which is basic and polar, at codon 1811 of the COL12A1 protein (p.Gln1811Arg). This variant is present in population databases (rs558214604, gnomAD 0.007%). This variant has not been reported in the literature in individuals affected with COL12A1-related conditions. ClinVar contains an entry for this variant (Variation ID: 542485). Invitae Evidence Modeling of protein sequence and biophysical properties (such as structural, functional, and spatial information, amino acid conservation, physicochemical variation, residue mobility, and thermodynamic stability) indicates that this missense variant is not expected to disrupt COL12A1 protein function with a negative predictive value of 80%. In summary, the available evidence is currently insufficient to determine the role of this variant in disease. Therefore, it has been classified as a Variant of Uncertain Significance.

Ambry Genetics
Classification: Uncertain significance for Inborn genetic diseases. Last evaluated: 2025-01-01. Review status: criteria provided, single submitter. Criteria: Ambry Variant Classification Scheme 2023. Collection method: clinical testing. Allele origin: germline.

NM_004370.6(COL12A1):c.5432A>G (p.Gln1811Arg)

Gene: COL12A1 (collagen type XII alpha 1 chain; minus strand). Cytogenetic location: 6q13.
Variant type: single nucleotide variant.
Coding change: c.5432A>G on transcript NM_004370.6 (MANE Select); coding-DNA position 5432, A replaced by G.
Protein change: p.Gln1811Arg; replaces glutamine 1811 with arginine.
Molecular consequence: missense variant.
Genome position (GRCh38, 1-based): chr6:75,134,818, T>C on the plus strand (A>G on the coding strand, the complement: COL12A1 is on the minus strand). VCF-style: chr6-75134818-T-C. GRCh37 (hg19) VCF-style: chr6-75844534-T-C.
Other names: c.1940A>G, p.Gln647Arg (NM_080645.3); short protein forms Q1811R, Q647R.
Identifiers: ClinVar variation 542485 (VCV000542485.12), dbSNP rs558214604, ClinGen allele CA140991125.